The following is an entry in ClinVar:

NM_198525.3(KIF7):c.1443+2T>C

Gene: KIF7 (kinesin family member 7; minus strand). Cytogenetic location: 15q26.1.
Variant type: single nucleotide variant.
Coding change: c.1443+2T>C on transcript NM_198525.3 (MANE Select); the canonical splice donor site of the intron after coding-DNA position 1443, T replaced by C.
Molecular consequence: splice donor variant.
Genome position (GRCh38, 1-based): chr15:89,648,253, A>G on the plus strand (T>C on the coding strand, the complement: KIF7 is on the minus strand). VCF-style: chr15-89648253-A-G. GRCh37 (hg19) VCF-style: chr15-90191484-A-G.
Identifiers: ClinVar variation 1306220 (VCV001306220.10), dbSNP rs751900799, ClinGen allele CA274582369.
Genomic context (GRCh38, chr15:89,648,253, plus strand): 5'-TTCCTTCCTCTCCACCACTCCCCACTGCCCACAACCACAACCACAACCTGTCCCTCGGCC[A>G]CCTTTCGCCCGCCGGCCCCCTGCGCCGCCTGGTCCTCGACGGAGGCGCTCTCGATGCCGC-3'

ClinVar aggregate classification (germline): Likely pathogenic. Review status: criteria provided, multiple submitters, no conflicts (2 of 4 stars). 4 submissions from 4 submitters: Likely pathogenic (4). Last evaluated 2026-03-13.

Conditions:
KIF7-related disorder. Also called: KIF7-related condition.
Acrocallosal syndrome (ACLS). Also called: Schinzel syndrome 1; Absence of corpus callosum with unusual facial appearance, mental deficiency, duplication of the halluces and polydactyly; HALLUX DUPLICATION, POSTAXIAL POLYDACTYLY, AND ABSENCE OF CORPUS CALLOSUM. Identifiers: Orphanet 36, MedGen C0796147, MONDO:0008708, OMIM 200990.
Hydrolethalus syndrome 2 (HLS2). Identifiers: Orphanet 2189, MedGen C3279899, MONDO:0013585, OMIM 614120.
Multiple epiphyseal dysplasia, Al-Gazali type. Also called: Macrocephaly with multiple epiphyseal dysplasia and distinctive facies. Identifiers: Orphanet 166024, MedGen C1846722, MONDO:0011778, OMIM 607131.

Allele frequency attached by ClinVar (database versions not stated): gnomAD exomes 0.00001; gnomAD 0.00004 and 0.00005; TOPMed 0.00005.
gnomAD v4.1: 13 of 1,511,018 alleles (0.00086%); highest among the groups gnomAD compares: African/African-American, 0.017%; no homozygotes.

Submissions (4):

GeneDx
Classification: Likely pathogenic. Last evaluated: 2026-03-13. Review status: criteria provided, single submitter. Criteria: GeneDx Variant Classification Process June 2021. Collection method: clinical testing. Allele origin: germline. Affected: yes.
Comment: Canonical splice site variant predicted to result in a null allele in a gene for which loss of function is a known mechanism of disease; Not observed at significant frequency in large population cohorts (gnomAD); Has not been previously published as pathogenic or benign to our knowledge

Labcorp Genetics (formerly Invitae), Labcorp
Classification: Likely pathogenic for Acrocallosal syndrome. Last evaluated: 2026-01-26. Review status: criteria provided, single submitter. Criteria: Invitae Variant Classification Sherloc (09022015). Collection method: clinical testing. Allele origin: germline.
Comment: This sequence change affects a donor splice site in intron 5 of the KIF7 gene. It is expected to disrupt RNA splicing. Variants that disrupt the donor or acceptor splice site typically lead to a loss of protein function (PMID: 16199547), and loss-of-function variants in KIF7 are known to be pathogenic (PMID: 19666503, 21552264, 21633164, 26648833). The frequency data for this variant in the population databases is considered unreliable, as metrics indicate poor data quality at this position in the gnomAD database. This variant has not been reported in the literature in individuals affected with KIF7-related conditions. ClinVar contains an entry for this variant (Variation ID: 1306220). Algorithms developed to predict the effect of sequence changes on RNA splicing suggest that this variant may disrupt the consensus splice site. In summary, the currently available evidence indicates that the variant is pathogenic, but additional data are needed to prove that conclusively. Therefore, this variant has been classified as Likely Pathogenic.

Fulgent Genetics
Classification: Likely pathogenic for Acrocallosal syndrome; Multiple epiphyseal dysplasia, Al-Gazali type; Hydrolethalus syndrome 2. Last evaluated: 2023-12-27. Review status: criteria provided, single submitter. Criteria: ACMG Guidelines, 2015. Collection method: clinical testing. Allele origin: germline.

Blueprint Genetics
Classification: Likely pathogenic for KIF7-related disorders. Last evaluated: 2020-10-31. Review status: criteria provided, single submitter. Criteria: ACMG Guidelines, 2015. Collection method: clinical testing. Allele origin: germline. Affected: yes. Observed: 1 variant allele.

Literature cited by the submitters: PubMed 16199547 (cited by Labcorp Genetics (formerly Invitae), Labcorp); PubMed 19666503 (cited by Labcorp Genetics (formerly Invitae), Labcorp); PubMed 21552264 (cited by Labcorp Genetics (formerly Invitae), Labcorp); PubMed 21633164 (cited by Labcorp Genetics (formerly Invitae), Labcorp); PubMed 26648833 (cited by Labcorp Genetics (formerly Invitae), Labcorp).